The following is an entry in ClinVar:

ClinVar aggregate classification (germline): Likely pathogenic. Review status: criteria provided, multiple submitters, no conflicts (2 of 4 stars). 2 submissions from 2 submitters: Likely pathogenic (2). Last evaluated 2022-09-05.

Conditions:
Cystic fibrosis (CF). Also called: MUCOVISCIDOSIS. Identifiers: Orphanet 586, MedGen C0010674, MONDO:0009061, OMIM 219700. Disease mechanism: loss of function.

Submissions (2):

Institute of Human Genetics, University of Leipzig Medical Center
Classification: Likely pathogenic for Cystic fibrosis. Last evaluated: 2022-09-05. Review status: criteria provided, single submitter. Criteria: ACMG Guidelines, 2015. Collection method: curation. Allele origin: unknown. Affected: yes. Observed: 1 variant allele.
Comment: The variant was classified in the context of a project re-classifying variants in the German Cystic Fibrosis Registry (Muko.e.V.). Criteria applied: PM1, PM2_SUP, PM5_STR, PP3, PP4

North West Genomic Laboratory Hub, Manchester University NHS Foundation Trust
Classification: Likely pathogenic for Cystic fibrosis. Last evaluated: 2021-05-04. Review status: criteria provided, single submitter. Criteria: ACMG Guidelines, 2015. Collection method: clinical testing. Allele origin: germline. Affected: yes.
Comment: Criteria Codes: PM3 PM5 PP3 PM2 PP4

NM_000492.4(CFTR):c.1688A>G (p.Tyr563Cys)

Gene: CFTR (CF transmembrane conductance regulator; plus strand). Cytogenetic location: 7q31.2.
Variant type: single nucleotide variant.
Coding change: c.1688A>G on transcript NM_000492.4 (MANE Select); coding-DNA position 1688, A replaced by G.
Protein change: p.Tyr563Cys; replaces tyrosine 563 with cysteine.
Molecular consequence: missense variant.
Genome position (GRCh38, 1-based): chr7:117,590,361, A>G. VCF-style: chr7-117590361-A-G. GRCh37 (hg19) VCF-style: chr7-117230415-A-G.
Other names: Y563C.
Identifiers: ClinVar variation 1706063 (VCV001706063.2), dbSNP rs2485107275, ClinGen allele CA368977025.